The following is an entry in ClinVar:

NM_057176.3(BSND):c.*14C>T

Gene: BSND (barttin CLCNK type accessory subunit beta; plus strand). Cytogenetic location: 1p32.3.
Variant type: single nucleotide variant.
Coding change: c.*14C>T on transcript NM_057176.3 (MANE Select); 14 bases downstream of the stop codon, C replaced by T.
Molecular consequence: 3 prime UTR variant.
Genome position (GRCh38, 1-based): chr1:55,008,642, C>T. VCF-style: chr1-55008642-C-T. GRCh37 (hg19) VCF-style: chr1-55474315-C-T.
Other names: c.*14C>T.
Identifiers: ClinVar variation 46544 (VCV000046544.5), dbSNP rs187356092, ClinGen allele CA138596.

ClinVar aggregate classification (germline): Likely benign. Review status: criteria provided, multiple submitters, no conflicts (2 of 4 stars). 2 submissions from 2 submitters: Likely benign (2). Last evaluated 2024-06-27.

Allele frequency attached by ClinVar (database versions not stated): ExAC 0.00025; gnomAD 0.00037 and 0.00040; TOPMed 0.00046; 1000 Genomes Project 30x 0.00047; 1000 Genomes Project 0.00060; ESP Exome Variant Server 0.00092.
gnomAD v4.1: 262 of 1,613,978 alleles (0.016%); highest among the groups gnomAD compares: Middle Eastern, 0.18%; 2 homozygotes.

Submissions (2):

Blueprint Genetics
Classification: Likely benign. Last evaluated: 2024-06-27. Review status: criteria provided, single submitter. Criteria: ACMG Guidelines, 2015. Collection method: clinical testing. Allele origin: germline.

Laboratory for Molecular Medicine, Mass General Brigham Personalized Medicine
Classification: Likely benign. Last evaluated: 2012-12-10. Review status: criteria provided, single submitter. Criteria: LMM Criteria. Collection method: clinical testing. Allele origin: germline. Observed: 1 variant allele.
Comment: *14C>T in the 3' UTR of BSND: This variant is not expected to have clinical sign ificance because it has been identified in 0.3% (11/4406) of African American ch romosomes from a broad population by the NHLBI Exome Sequencing Project